The following is an entry in ClinVar:

ClinVar aggregate classification (germline): Conflicting classifications of pathogenicity. Review status: criteria provided, conflicting classifications (1 of 4 stars). 5 submissions from 5 submitters: Uncertain significance (1); Benign (1); Likely benign (1). 2 of the submissions do not count toward it. Last evaluated 2026-01-20.

Conditions:
GNPTG-related disorder. Also called: GNPTG-related condition.
GNPTG-mucolipidosis. Also called: MUCOLIPIDOSIS III, COMPLEMENTATION GROUP C; MUCOLIPIDOSIS III, IRANIAN VARIANT FORM; MUCOLIPIDOSIS III, VARIANT FORM; ML III GAMMA; ML IIIC; Mucolipidosis type III gamma. Identifiers: Orphanet 423470, Orphanet 577, MedGen C1854896, MONDO:0009652, OMIM 252605.
Retinal dystrophy. Also called: Inherited retinal dystrophy. Identifiers: Orphanet 71862, MedGen C0854723, MeSH D058499, MONDO:0019118, HP:0000556.

Allele frequency attached by ClinVar (database versions not stated): ExAC 0.00043; ESP Exome Variant Server 0.00053; gnomAD 0.00072 and 0.00079; TOPMed 0.00076; 1000 Genomes Project 0.00100; 1000 Genomes Project 30x 0.00125.
gnomAD v4.1: 201 of 1,548,232 alleles (0.013%); highest among the groups gnomAD compares: African/African-American, 0.26%; 1 homozygote.

Submissions (5):

Labcorp Genetics (formerly Invitae), Labcorp
Classification: Likely benign. Last evaluated: 2026-01-20. Review status: criteria provided, single submitter. Criteria: Invitae Variant Classification Sherloc (09022015). Collection method: clinical testing. Allele origin: germline.

Blueprint Genetics
Classification: Benign. Last evaluated: 2024-11-06. Review status: criteria provided, single submitter. Criteria: ACMG Guidelines, 2015. Collection method: clinical testing. Allele origin: germline.

Institute of Human Genetics, Univ. Regensburg, Univ. Regensburg
Classification: Uncertain significance for Retinal dystrophy. Last evaluated: 2023-01-01. Review status: criteria provided, single submitter. Criteria: ACMG Guidelines, 2015. Collection method: clinical testing. Allele origin: germline. Affected: yes.

PreventionGenetics, part of Exact Sciences
Classification: Likely benign for GNPTG-related condition. Last evaluated: 2024-06-11. Review status: no assertion criteria provided. Collection method: clinical testing. Allele origin: germline. Not counted in ClinVar's aggregate classification.
Comment: This variant is classified as likely benign based on ACMG/AMP sequence variant interpretation guidelines (Richards et al. 2015 PMID: 25741868, with internal and published modifications).

Natera, Inc.
Classification: Uncertain significance for Mucolipidosis III gamma. Last evaluated: 2020-02-15. Review status: no assertion criteria provided. Collection method: clinical testing. Allele origin: germline. Not counted in ClinVar's aggregate classification.

Literature cited by the submitters: PubMed 26130485 (cited by Institute of Human Genetics, Univ. Regensburg, Univ. Regensburg).

NM_032520.5(GNPTG):c.161A>T (p.Asp54Val)

Gene: GNPTG (N-acetylglucosamine-1-phosphate transferase subunit gamma; plus strand). Cytogenetic location: 16p13.3.
Variant type: single nucleotide variant.
Coding change: c.161A>T on transcript NM_032520.5 (MANE Select); coding-DNA position 161, A replaced by T.
Protein change: p.Asp54Val; replaces aspartic acid 54 with valine.
Molecular consequence: missense variant.
Genome position (GRCh38, 1-based): chr16:1,352,289, A>T. VCF-style: chr16-1352289-A-T. GRCh37 (hg19) VCF-style: chr16-1402290-A-T.
Other names: short protein forms D54V.
Identifiers: ClinVar variation 972608 (VCV000972608.13), dbSNP rs368478807, ClinGen allele CA7807491.